The following is an entry in ClinVar:

ClinVar aggregate classification (germline): Likely benign (1 of 4 stars; one submission).

Allele frequency attached by ClinVar (database versions not stated): ExAC 0.00417; gnomAD exomes 0.00422; 1000 Genomes Project 0.00260; 1000 Genomes Project 30x 0.00344; TOPMed 0.00351; gnomAD 0.00353; ESP Exome Variant Server 0.00369.
gnomAD v4.1: 6,736 of 1,614,030 alleles (0.42%); highest among the groups gnomAD compares: Middle Eastern, 0.79%; 20 homozygotes.

Submission:

CeGaT Center for Human Genetics Tuebingen
Classification: Likely benign. Last evaluated: 2022-11-01. Review status: criteria provided, single submitter. Criteria: CeGaT Center For Human Genetics Tuebingen Variant Classification Criteria Version 2. Collection method: clinical testing. Allele origin: germline. Affected: yes. Observed: 1 variant allele.
Comment: TMPRSS4: BS2

NM_019894.4(TMPRSS4):c.578G>C (p.Cys193Ser)

Gene: TMPRSS4 (transmembrane serine protease 4; plus strand). Cytogenetic location: 11q23.3.
Variant type: single nucleotide variant.
Coding change: c.578G>C on transcript NM_019894.4 (MANE Select); coding-DNA position 578, G replaced by C.
Protein change: p.Cys193Ser; replaces cysteine 193 with serine.
Molecular consequence: missense variant. On other transcripts: non-coding transcript variant (1).
Genome position (GRCh38, 1-based): chr11:118,108,891, G>C. VCF-style: chr11-118108891-G-C. GRCh37 (hg19) VCF-style: chr11-117979606-G-C.
Other names: c.563G>C, p.Cys188Ser (NM_001083947.2); c.572G>C, p.Cys191Ser (NM_001173551.2); c.458G>C, p.Cys153Ser (NM_001173552.2); c.503G>C, p.Cys168Ser (NM_001290094.2); c.137G>C, p.Cys46Ser (NM_001290096.2); short protein forms C153S, C168S, C188S, C191S, C193S, C46S.
Identifiers: ClinVar variation 2642410 (VCV002642410.24), dbSNP rs45441097, ClinGen allele CA6299632.
Genomic context (GRCh38, chr11:118,108,891, plus strand): 5'-ACAGGGCGCTGTGTCTGTCTTCCAGGCCCTGTCTCTCAGGCTCCCTGGTCTCCCTGCACT[G>C]TCTTGGTGAGTACCCCCAATCTCTGAGGGTTTGGGGCCTGGGCCAGCAATGAGCAGGGAG-3'
Protein context (NP_063947.2, residues 183-203): CLSGSLVSLH[Cys193Ser]LACGKSLKTP